The following is an entry in ClinVar:

NM_033026.6(PCLO):c.969del (p.Lys323fs)

Gene: PCLO (piccolo presynaptic cytomatrix protein; minus strand). Cytogenetic location: 7q21.11.
Variant type: Deletion.
Coding change: c.969del on transcript NM_033026.6 (MANE Select); coding-DNA position 969, one base deleted (A; older notation c.969delA).
Protein change: p.Lys323fs; shifts the reading frame from lysine 323.
Molecular consequence: frameshift variant.
Genome position (GRCh38, 1-based): chr7:83,155,672, T deleted on the plus strand (A on the coding strand, the reverse complement: PCLO is on the minus strand); the first of 5 consecutive T bases (chr7:83,155,672-83,155,676); deleting any one gives the same sequence. VCF-style (leftmost placement, unchanged base first): chr7-83155671-AT-A. GRCh37 (hg19) VCF-style: chr7-82784987-AT-A.
Other names: c.969del, p.Lys323fs (NM_014510.3); short protein forms K323fs.
Identifiers: ClinVar variation 3655479 (VCV003655479.2).

ClinVar aggregate classification (germline): Pathogenic (1 of 4 stars; one submission).

Submission:

Labcorp Genetics (formerly Invitae), Labcorp
Classification: Pathogenic. Last evaluated: 2024-06-04. Review status: criteria provided, single submitter. Criteria: Invitae Variant Classification Sherloc (09022015). Collection method: clinical testing. Allele origin: germline.
Comment: This sequence change creates a premature translational stop signal (p.Lys323Asnfs*16) in the PCLO gene. It is expected to result in an absent or disrupted protein product. Loss-of-function variants in PCLO are known to be pathogenic (PMID: 25832664, 30287594). This variant is not present in population databases (gnomAD no frequency). This variant has not been reported in the literature in individuals affected with PCLO-related conditions. For these reasons, this variant has been classified as Pathogenic.

Literature cited by the submitters: PubMed 25832664; PubMed 30287594.